The following is an entry in ClinVar:

NM_139057.4(ADAMTS17):c.1894C>T (p.Pro632Ser)

Gene: ADAMTS17 (ADAM metallopeptidase with thrombospondin type 1 motif 17; minus strand). Cytogenetic location: 15q26.3.
Variant type: single nucleotide variant.
Coding change: c.1894C>T on transcript NM_139057.4 (MANE Select); coding-DNA position 1894, C replaced by T.
Protein change: p.Pro632Ser; replaces proline 632 with serine.
Molecular consequence: missense variant.
Genome position (GRCh38, 1-based): chr15:100,109,111, G>A on the plus strand (C>T on the coding strand, the complement: ADAMTS17 is on the minus strand). VCF-style: chr15-100109111-G-A. GRCh37 (hg19) VCF-style: chr15-100649316-G-A.
Other names: short protein forms P632S.
Identifiers: ClinVar variation 2116601 (VCV002116601.4), dbSNP rs2141097558, ClinGen allele CA393694950.

ClinVar aggregate classification (germline): Uncertain significance (1 of 4 stars; one submission).

Allele frequency attached by ClinVar (database versions not stated): gnomAD 0.00001.
gnomAD v4.1: 1 of 1,611,362 alleles (0.000062%); highest among the groups gnomAD compares: Admixed American, 0.0017%; no homozygotes.

Submission:

Labcorp Genetics (formerly Invitae), Labcorp
Classification: Uncertain significance. Last evaluated: 2022-03-26. Review status: criteria provided, single submitter. Criteria: Invitae Variant Classification Sherloc (09022015). Collection method: clinical testing. Allele origin: germline.
Comment: In summary, the available evidence is currently insufficient to determine the role of this variant in disease. Therefore, it has been classified as a Variant of Uncertain Significance. Algorithms developed to predict the effect of missense changes on protein structure and function are either unavailable or do not agree on the potential impact of this missense change (SIFT: "Not Available"; PolyPhen-2: "Probably Damaging"; Align-GVGD: "Not Available"). This variant has not been reported in the literature in individuals affected with ADAMTS17-related conditions. This variant is not present in population databases (gnomAD no frequency). This sequence change replaces proline, which is neutral and non-polar, with serine, which is neutral and polar, at codon 632 of the ADAMTS17 protein (p.Pro632Ser).